The following is an entry in ClinVar:

ClinVar aggregate classification (germline): Uncertain significance (1 of 4 stars; one submission).

gnomAD v4.1: 1 of 1,211,118 alleles (0.000083%); highest among the groups gnomAD compares: East Asian, 0.003%; no homozygotes.

Submission:

CeGaT Center for Human Genetics Tuebingen
Classification: Uncertain significance. Last evaluated: 2024-12-01. Review status: criteria provided, single submitter. Criteria: CeGaT Center For Human Genetics Tuebingen Variant Classification Criteria Version 2. Collection method: clinical testing. Allele origin: germline. Affected: yes. Observed: 1 variant allele.
Comment: BRWD3: PM2, BP4

NM_153252.5(BRWD3):c.2147C>T (p.Pro716Leu)

Gene: BRWD3 (bromodomain and WD repeat domain containing 3; minus strand). Cytogenetic location: Xq21.1.
Variant type: single nucleotide variant.
Coding change: c.2147C>T on transcript NM_153252.5 (MANE Select); coding-DNA position 2147, C replaced by T.
Protein change: p.Pro716Leu; replaces proline 716 with leucine.
Molecular consequence: missense variant.
Genome position (GRCh38, 1-based): chrX:80,717,657, G>A on the plus strand (C>T on the coding strand, the complement: BRWD3 is on the minus strand). VCF-style: chrX-80717657-G-A. GRCh37 (hg19) VCF-style: chrX-79973156-G-A.
Other names: short protein forms P716L.
Identifiers: ClinVar variation 3772165 (VCV003772165.13).